The following is an entry in ClinVar:

NM_020831.6(MRTFA):c.1864G>C (p.Asp622His)

Gene: MRTFA (myocardin related transcription factor A; minus strand). Cytogenetic location: 22q13.1.
Variant type: single nucleotide variant.
Coding change: c.1864G>C on transcript NM_020831.6 (MANE Select); coding-DNA position 1864, G replaced by C.
Protein change: p.Asp622His; replaces aspartic acid 622 with histidine.
Molecular consequence: missense variant.
Genome position (GRCh38, 1-based): chr22:40,418,874, C>G on the plus strand (G>C on the coding strand, the complement: MRTFA is on the minus strand). VCF-style: chr22-40418874-C-G. GRCh37 (hg19) VCF-style: chr22-40814878-C-G.
Other names: c.1564G>C, p.Asp522His (NM_001282660.2); c.1714G>C, p.Asp572His (NM_001282661.3); c.1864G>C, p.Asp622His (NM_001282662.3); c.1669G>C, p.Asp557His (NM_001318139.2); c.1564G>C (NM_020831.3); short protein forms D522H, D557H, D572H, D622H.
Identifiers: ClinVar variation 1683026 (VCV001683026.9), dbSNP rs201308820, ClinGen allele CA10249514.

ClinVar aggregate classification (germline): Uncertain significance. Review status: criteria provided, multiple submitters, no conflicts (2 of 4 stars). 2 submissions from 2 submitters: Uncertain significance (2). Last evaluated 2025-02-08.

gnomAD v4.1: 18 of 1,612,402 alleles (0.0011%); highest among the groups gnomAD compares: African/African-American, 0.02%; no homozygotes.

Submissions (2):

Ambry Genetics
Classification: Uncertain significance. Last evaluated: 2025-02-08. Review status: criteria provided, single submitter. Criteria: Ambry Variant Classification Scheme 2023. Collection method: clinical testing. Allele origin: germline.

Labcorp Genetics (formerly Invitae), Labcorp
Classification: Uncertain significance. Last evaluated: 2024-02-19. Review status: criteria provided, single submitter. Criteria: Invitae Variant Classification Sherloc (09022015). Collection method: clinical testing. Allele origin: germline.
Comment: This sequence change replaces aspartic acid, which is acidic and polar, with histidine, which is basic and polar, at codon 522 of the MKL1 protein (p.Asp522His). This variant is present in population databases (rs201308820, gnomAD 0.02%). This variant has not been reported in the literature in individuals affected with MKL1-related conditions. ClinVar contains an entry for this variant (Variation ID: 1683026). An algorithm developed to predict the effect of missense changes on protein structure and function (PolyPhen-2) suggests that this variant is likely to be disruptive. In summary, the available evidence is currently insufficient to determine the role of this variant in disease. Therefore, it has been classified as a Variant of Uncertain Significance.